The following is an entry in ClinVar:

NM_000552.5(VWF):c.7750C>T (p.Leu2584Phe)

Gene: VWF (von Willebrand factor; minus strand). Cytogenetic location: 12p13.31.
Variant type: single nucleotide variant.
Coding change: c.7750C>T on transcript NM_000552.5 (MANE Select); coding-DNA position 7750, C replaced by T.
Protein change: p.Leu2584Phe; replaces leucine 2584 with phenylalanine.
Molecular consequence: missense variant.
Genome position (GRCh38, 1-based): chr12:5,968,147, G>A on the plus strand (C>T on the coding strand, the complement: VWF is on the minus strand). VCF-style: chr12-5968147-G-A. GRCh37 (hg19) VCF-style: chr12-6077313-G-A.
Other names: short protein forms L2584F.
Identifiers: ClinVar variation 3774213 (VCV003774213.1).

ClinVar aggregate classification (germline): Uncertain significance (1 of 4 stars; one submission).

gnomAD v4.1: 40 of 1,614,012 alleles (0.0025%); highest among the groups gnomAD compares: Non-Finnish European, 0.0032%; no homozygotes.

Submission:

GeneDx
Classification: Uncertain significance. Last evaluated: 2024-09-23. Review status: criteria provided, single submitter. Criteria: GeneDx Variant Classification Process June 2021. Collection method: clinical testing. Allele origin: germline. Affected: yes.
Comment: Not observed at significant frequency in large population cohorts (gnomAD); In silico analysis indicates that this missense variant does not alter protein structure/function; Has not been previously published as pathogenic or benign to our knowledge